The following is an entry in ClinVar:

ClinVar aggregate classification (germline): Uncertain significance (1 of 4 stars; one submission).

Conditions:
Peroxisome biogenesis disorder, complementation group K (CGK). Identifiers: MedGen C1866257, MONDO:0800365.

Allele frequency attached by ClinVar (database versions not stated): TOPMed below 0.00001; gnomAD 0.00001.
gnomAD v4.1: 2 of 1,613,418 alleles (0.00012%); highest among the groups gnomAD compares: African/African-American, 0.0027%; no homozygotes.

Submission:

Labcorp Genetics (formerly Invitae), Labcorp
Classification: Uncertain significance for Peroxisome biogenesis disorder, complementation group K. Last evaluated: 2024-11-05. Review status: criteria provided, single submitter. Criteria: Invitae Variant Classification Sherloc (09022015). Collection method: clinical testing. Allele origin: germline.
Comment: This sequence change replaces valine, which is neutral and non-polar, with alanine, which is neutral and non-polar, at codon 256 of the PEX14 protein (p.Val256Ala). This variant is present in population databases (no rsID available, gnomAD 0.01%). This variant has not been reported in the literature in individuals affected with PEX14-related conditions. ClinVar contains an entry for this variant (Variation ID: 2005930). Invitae Evidence Modeling of protein sequence and biophysical properties (such as structural, functional, and spatial information, amino acid conservation, physicochemical variation, residue mobility, and thermodynamic stability) indicates that this missense variant is not expected to disrupt PEX14 protein function with a negative predictive value of 80%. In summary, the available evidence is currently insufficient to determine the role of this variant in disease. Therefore, it has been classified as a Variant of Uncertain Significance.

NM_004565.3(PEX14):c.767T>C (p.Val256Ala)

Gene: PEX14 (peroxisomal biogenesis factor 14; plus strand). Cytogenetic location: 1p36.22.
Variant type: single nucleotide variant.
Coding change: c.767T>C on transcript NM_004565.3 (MANE Select); coding-DNA position 767, T replaced by C.
Protein change: p.Val256Ala; replaces valine 256 with alanine.
Molecular consequence: missense variant.
Genome position (GRCh38, 1-based): chr1:10,629,620, T>C. VCF-style: chr1-10629620-T-C. GRCh37 (hg19) VCF-style: chr1-10689677-T-C.
Other names: short protein forms V256A.
Identifiers: ClinVar variation 2005930 (VCV002005930.2), dbSNP rs1352067314, ClinGen allele CA338338473.